The following is an entry in ClinVar:

ClinVar aggregate classification (germline): Uncertain significance. Review status: criteria provided, single submitter (1 of 4 stars). 2 submissions from 2 submitters: Uncertain significance (1). 1 of the submissions does not count toward it. Last evaluated 2023-11-28.

Allele frequency attached by ClinVar (database versions not stated): TOPMed below 0.00001; gnomAD 0.00003; ExAC 0.00004; gnomAD exomes 0.00007; 1000 Genomes Project 30x 0.00016; 1000 Genomes Project 0.00020.
gnomAD v4.1: 47 of 1,613,138 alleles (0.0029%); highest among the groups gnomAD compares: East Asian, 0.1%; no homozygotes.

Submissions (2):

Labcorp Genetics (formerly Invitae), Labcorp
Classification: Uncertain significance. Last evaluated: 2023-11-28. Review status: criteria provided, single submitter. Criteria: Invitae Variant Classification Sherloc (09022015). Collection method: clinical testing. Allele origin: germline.
Comment: This sequence change falls in intron 2 of the EFL1 gene. It does not directly change the encoded amino acid sequence of the EFL1 protein. It affects a nucleotide within the consensus splice site. This variant is present in population databases (rs200183257, gnomAD 0.05%). This variant has not been reported in the literature in individuals affected with EFL1-related conditions. ClinVar contains an entry for this variant (Variation ID: 2443119). Variants that disrupt the consensus splice site are a relatively common cause of aberrant splicing (PMID: 17576681, 9536098). Algorithms developed to predict the effect of sequence changes on RNA splicing suggest that this variant is not likely to affect RNA splicing. In summary, the available evidence is currently insufficient to determine the role of this variant in disease. Therefore, it has been classified as a Variant of Uncertain Significance.

Genetic Services Laboratory, University of Chicago
Classification: Likely benign. Last evaluated: 2022-03-18. Review status: no assertion criteria provided. Collection method: clinical testing. Allele origin: germline. Affected: no. Not counted in ClinVar's aggregate classification.

Literature cited by the submitters: PubMed 17576681 (cited by Labcorp Genetics (formerly Invitae), Labcorp); PubMed 9536098 (cited by Labcorp Genetics (formerly Invitae), Labcorp).

NM_024580.6(EFL1):c.91+6A>G

Gene: EFL1 (elongation factor like GTPase 1; minus strand). Cytogenetic location: 15q25.2.
Variant type: single nucleotide variant.
Coding change: c.91+6A>G on transcript NM_024580.6 (MANE Select); 6 bases into the intron after coding-DNA position 91, A replaced by G.
Molecular consequence: intron variant.
Genome position (GRCh38, 1-based): chr15:82,261,682, T>C on the plus strand (A>G on the coding strand, the complement: EFL1 is on the minus strand). VCF-style: chr15-82261682-T-C. GRCh37 (hg19) VCF-style: chr15-82554023-T-C.
Other names: c.91+6A>G (NM_001040610.3, NM_001322845.2); c.-614+6A>G (NM_001322844.2).
Identifiers: ClinVar variation 2443119 (VCV002443119.4), dbSNP rs200183257, ClinGen allele CA7698407.
Genomic context (GRCh38, chr15:82,261,682, plus strand): 5'-CACTGAGACATACAGAGACACATCTCCCTTATTTATCAAAATAAGCCATTTAAAAAGTAT[T>C]CTTACCATGGTCAACATGAGCCAAAACACAAATATTCCTGATGTTGGCAGTGTTTTTCTG-3'